The following is an entry in ClinVar:

NM_001163435.3(TBCK):c.2060-2A>G

Gene: TBCK (TBC1 domain containing kinase; minus strand). Cytogenetic location: 4q24.
Variant type: single nucleotide variant.
Coding change: c.2060-2A>G on transcript NM_001163435.3 (MANE Select); the canonical splice acceptor site of the intron before coding-DNA position 2060, A replaced by G.
Molecular consequence: splice acceptor variant.
Genome position (GRCh38, 1-based): chr4:106,171,272, T>C on the plus strand (A>G on the coding strand, the complement: TBCK is on the minus strand). VCF-style: chr4-106171272-T-C. GRCh37 (hg19) VCF-style: chr4-107092429-T-C.
Other names: 2060-2A-G; c.2060-2A>G (NM_001163436.4); c.1871-2A>G (NM_033115.5); c.1943-2A>G (NM_001163437.3); c.1544-2A>G (NM_001290768.2).
Identifiers: ClinVar variation 225239 (VCV000225239.13), dbSNP rs62321379, ClinGen allele CA358274.
Genomic context (GRCh38, chr4:106,171,272, plus strand): 5'-TTTAGGAGTCCAACAAAACAGGTTGATAGATTCTCTCACACAGCGTTCAATGTCAATTTC[T>C]AGATAGAAATGTTTTAAAAAAGCAAATGTATAGAATTTAGATTGCTCTTTTAATGTAATA-3'

ClinVar aggregate classification (germline): Pathogenic/Likely pathogenic. Review status: criteria provided, multiple submitters, no conflicts (2 of 4 stars). 7 submissions from 7 submitters: Pathogenic (4); Likely pathogenic (1). 2 of the submissions do not count toward it. Last evaluated 2026-03-30.

Conditions:
TBCK-related disorder. Also called: TBCK-related condition; TBCK-related disorders.
Hypotonia, infantile, with psychomotor retardation and characteristic facies 3 (IHPRF3). Also called: TBCK-Related Neurodevelopmental Disorder. Identifiers: Orphanet 488632, MedGen C5567480, MONDO:0014823, OMIM 616900.

Allele frequency attached by ClinVar (database versions not stated): ExAC 0.00002; gnomAD exomes 0.00003 and 0.00004; gnomAD 0.00005 and 0.00006; TOPMed 0.00007; ESP Exome Variant Server 0.00008.
gnomAD v4.1: 76 of 1,596,602 alleles (0.0048%); highest among the groups gnomAD compares: Non-Finnish European, 0.006%; no homozygotes.

Submissions (8):

GeneDx
Classification: Pathogenic. Last evaluated: 2026-03-30. Review status: criteria provided, single submitter. Criteria: GeneDx Variant Classification Process June 2021. Collection method: clinical testing. Allele origin: germline.
Comment: Canonical splice site variant predicted to result in a null allele in a gene for which loss of function is a known mechanism of disease; This variant is associated with the following publications: (PMID: 27040691, 30542205, 35599849, 33149276)

PreventionGenetics, part of Exact Sciences
Classification: Pathogenic for TBCK-related condition. Last evaluated: 2026-03-10. Review status: criteria provided, single submitter. Criteria: ACMG Guidelines, 2015. Collection method: clinical testing. Allele origin: germline.
Comment: The TBCK c.2060-2A>G variant is predicted to disrupt the AG splice acceptor site and interfere with normal splicing. This variant has been reported along with a second variant in this gene in at least one individual with intellectual disability and hypotonia (see example: Table S1, Matthews et al. 2018. PubMed ID: 30542205; Elliott et al. 2022. PubMed ID: 35599849). This variant is reported in 0.0055% of alleles in individuals of European (Non-Finnish) descent in gnomAD. Variants that disrupt the consensus splice acceptor site in TBCK are expected to be pathogenic. This variant is interpreted as pathogenic.

Labcorp Genetics (formerly Invitae), Labcorp
Classification: Pathogenic. Last evaluated: 2025-07-13. Review status: criteria provided, single submitter. Criteria: Invitae Variant Classification Sherloc (09022015). Collection method: clinical testing. Allele origin: germline.
Comment: This sequence change affects an acceptor splice site in intron 22 of the TBCK gene. It is expected to disrupt RNA splicing. Variants that disrupt the donor or acceptor splice site typically lead to a loss of protein function (PMID: 16199547), and loss-of-function variants in TBCK are known to be pathogenic (PMID: 27040692, 30103036). This variant is present in population databases (rs62321379, gnomAD 0.005%). Disruption of this splice site has been observed in individual(s) with TBCK-related conditions (PMID: 27040691, 30542205). In at least one individual the data is consistent with being in trans (on the opposite chromosome) from a pathogenic variant. It has also been observed to segregate with disease in related individuals. ClinVar contains an entry for this variant (Variation ID: 225239). Algorithms developed to predict the effect of sequence changes on RNA splicing suggest that this variant may disrupt the consensus splice site. For these reasons, this variant has been classified as Pathogenic.

Broad Center for Mendelian Genomics, Broad Institute of MIT and Harvard
Classification: Pathogenic for Hypotonia, infantile, with psychomotor retardation and characteristic facies 3. Last evaluated: 2025-01-13. Review status: criteria provided, single submitter. Criteria: ACMG Guidelines, 2015. Collection method: curation. Allele origin: germline. Inheritance: Autosomal recessive inheritance.
Comment: The c.2060-2A>G variant in TBCK has been reported in at least three individuals with TBCK-related intellectual disability syndrome (PMID: 27040691, 30542205), and has been identified in 0.006% (71/1174210) of European (non-Finnish) chromosomes by the Genome Aggregation Database (gnomAD; dbSNP ID: rs62321379). Although this variant has been seen in the general population in a heterozygous state, its frequency is low enough to be consistent with a recessive carrier frequency. This variant has also been reported in ClinVar (Variation ID: 225239) and has been interpreted as pathogenic by Invitae, OMIM, and GeneDx. Of the 3 affected individuals, 1 was a compound heterozygote that carried a reported pathogenic variant in trans, which increases the likelihood that the c.2060-2A>G variant is pathogenic (Variation ID: 225240; PMID: 27040691). This variant is located in the 5' splice region. Computational tools predict a splicing impact, though this information is not predictive enough to determine pathogenicity. Loss of function of the TBCK gene is an established disease mechanism in autosomal recessive TBCK-related intellectual disability syndrome. In summary, this variant meets criteria to be classified as pathogenic for autosomal recessive TBCK-related intellectual disability syndrome. ACMG/AMP Criteria applied: PVS1, PM3, PM2_supporting (Richards 2015).

TIDEX, University of British Columbia
Classification: Likely pathogenic for Hypotonia, infantile, with psychomotor retardation and characteristic facies 3. Review status: criteria provided, single submitter. Criteria: ACMG Guidelines, 2015. Collection method: research. Allele origin: paternal. Inheritance: Autosomal recessive inheritance. Affected: yes.

Molecular Genetics Laboratory, BC Children's and BC Women's Hospitals
Classification: Likely pathogenic for Hypotonia, infantile, with psychomotor retardation and characteristic facies 3. Last evaluated: 2016-06-20. Review status: no assertion criteria provided. Criteria: ACMG Guidelines, 2015. Collection method: clinical testing. Allele origin: germline. Affected: yes. Not counted in ClinVar's aggregate classification.

OMIM
Classification: Pathogenic for HYPOTONIA, INFANTILE, WITH PSYCHOMOTOR RETARDATION AND CHARACTERISTIC FACIES 3. Last evaluated: 2016-05-19. Review status: no assertion criteria provided. Collection method: literature only. Allele origin: germline. Not counted in ClinVar's aggregate classification.

Dr. Peter K. Rogan Lab, Western University
No classification provided (evidence only). Condition: Ovarian serous cystadenocarcinoma. Review status: no classification provided. Collection method: in vitro. Allele origin: not applicable. Functional consequence: retained intron. Not counted in ClinVar's aggregate classification.

Literature cited by the submitters: PubMed 16199547 (cited by Labcorp Genetics (formerly Invitae), Labcorp); PubMed 27040692 (cited by Labcorp Genetics (formerly Invitae), Labcorp); PubMed 30103036 (cited by Labcorp Genetics (formerly Invitae), Labcorp); PubMed 27040691 (cited by Labcorp Genetics (formerly Invitae), Labcorp and OMIM); PubMed 30542205 (cited by Labcorp Genetics (formerly Invitae), Labcorp).